The following is an entry in ClinVar:

ClinVar aggregate classification (germline): not provided (0 of 4 stars; one submission).

Conditions:
Hyperimmunoglobulin D with periodic fever (HIDS). Also called: HYPERIMMUNOGLOBULINEMIA D AND PERIODIC FEVER SYNDROME; Hyperimmunoglobulinemia D; Hyperimmunoglobulinemia D with periodic fever. Identifiers: Orphanet 343, MedGen C0398691, MONDO:0009849, OMIM 260920.

Submission:

Unité médicale des maladies autoinflammatoires, CHRU Montpellier
No classification provided. Condition: Hyperimmunoglobulin D with periodic fever. Review status: no classification provided. Collection method: not provided. Allele origin: unknown.
Comment: also involved in OMIM 25117

NM_000431.4(MVK):c.794T>C (p.Leu265Pro)

Gene: MVK (mevalonate kinase; plus strand). Cytogenetic location: 12q24.11.
Variant type: single nucleotide variant.
Coding change: c.794T>C on transcript NM_000431.4 (MANE Select); coding-DNA position 794, T replaced by C.
Protein change: p.Leu265Pro; replaces leucine 265 with proline.
Molecular consequence: missense variant.
Genome position (GRCh38, 1-based): chr12:109,591,266, T>C. VCF-style: chr12-109591266-T-C. GRCh37 (hg19) VCF-style: chr12-110029071-T-C.
Other names: c.794T>C, p.Leu265Pro (NM_001114185.3); c.638T>C, p.Leu213Pro (NM_001301182.2); short protein forms L265P, L213P.
Identifiers: ClinVar variation 97626 (VCV000097626.1), dbSNP rs104895316, ClinGen allele CA149901.